The following is an entry in ClinVar:

ClinVar aggregate classification (germline): Likely benign. Review status: criteria provided, multiple submitters, no conflicts (2 of 4 stars). 4 submissions from 4 submitters: Likely benign (4). Last evaluated 2025-09-27.

Conditions:
Hereditary cancer-predisposing syndrome. Also called: Neoplastic Syndromes, Hereditary; Hereditary neoplastic syndrome; Hereditary Cancer Syndrome; Tumor predisposition. Identifiers: Orphanet 140162, MedGen C0027672, MeSH D009386, MONDO:0015356.
Tuberous sclerosis 2 (TSC2). Identifiers: Orphanet 805, MedGen C1860707, MONDO:0013199, OMIM 613254.
Isolated focal cortical dysplasia type II (FCORD2). Also called: CORTICAL DYSPLASIA OF TAYLOR; Focal cortical dysplasia type II. Identifiers: Orphanet 268994, MedGen C1846385, MONDO:0011818, OMIM 607341, HP:0032051.
Lymphangiomyomatosis (LAM). Also called: Lymphangioleiomyomatosis; Lymphangioleiomyomatosis, somatic. Identifiers: Orphanet 538, MedGen C0751674, MONDO:0011705, OMIM 606690.

Allele frequency attached by ClinVar (database versions not stated): TOPMed below 0.00001.

Submissions (4):

Labcorp Genetics (formerly Invitae), Labcorp
Classification: Likely benign for Tuberous sclerosis 2. Last evaluated: 2025-09-27. Review status: criteria provided, single submitter. Criteria: Invitae Variant Classification Sherloc (09022015). Collection method: clinical testing. Allele origin: germline.

Ambry Genetics
Classification: Likely benign for Hereditary cancer-predisposing syndrome. Last evaluated: 2025-05-29. Review status: criteria provided, single submitter. Criteria: Ambry Variant Classification Scheme 2023. Collection method: clinical testing. Allele origin: germline.

Myriad Genetics, Inc.
Classification: Likely benign for Tuberous sclerosis 2. Last evaluated: 2025-05-13. Review status: criteria provided, single submitter. Criteria: Myriad Autosomal Dominant, Autosomal Recessive and X-Linked Classification Criteria (2023). Collection method: clinical testing. Allele origin: unknown.
Comment: This variant is considered likely benign. This variant is intronic and is not expected to impact mRNA splicing.

Fulgent Genetics
Classification: Likely benign for Lymphangiomyomatosis; Isolated focal cortical dysplasia type II; Tuberous sclerosis 2. Last evaluated: 2021-07-27. Review status: criteria provided, single submitter. Criteria: ACMG Guidelines, 2015. Collection method: clinical testing. Allele origin: unknown.

NM_000548.5(TSC2):c.1258-4A>G

Gene: TSC2 (TSC complex subunit 2; plus strand). Cytogenetic location: 16p13.3.
Variant type: single nucleotide variant.
Coding change: c.1258-4A>G on transcript NM_000548.5 (MANE Select); 4 bases into the intron before coding-DNA position 1258, A replaced by G.
Molecular consequence: intron variant.
Genome position (GRCh38, 1-based): chr16:2,062,493, A>G. VCF-style: chr16-2062493-A-G. GRCh37 (hg19) VCF-style: chr16-2112494-A-G.
Other names: c.1258-4A>G (NM_000548.3, NM_001114382.3, NM_021055.3 and 4 more transcripts); c.1147-4A>G (NM_001318827.2); c.658-4A>G (NM_001318831.2); c.1111-4A>G (NM_001318829.2); c.1291-4A>G (NM_001318832.2).
Identifiers: ClinVar variation 1085420 (VCV001085420.12), dbSNP rs2086763634, ClinGen allele CA2201987677.